The following is an entry in ClinVar:

ClinVar aggregate classification (germline): Likely pathogenic. Review status: reviewed by expert panel (3 of 4 stars). 2 submissions from 2 submitters: Likely pathogenic (1). 1 of the submissions does not count toward it. Last evaluated 2026-10-02.

Conditions:
Hereditary thrombocytopenia and hematologic cancer predisposition syndrome. Identifiers: Orphanet 71290, MedGen CN281654, MONDO:0011071.
Hereditary thrombocytopenia and hematological cancer predisposition syndrome associated with RUNX1. Also called: RUNX1 Familial Platelet Disorder with Associated Myeloid Malignancies; Familial Platelet Disorder with Propensity to Acute Myelogenous Leukemia; Familial thrombocytopenia with propensity to acute myelogenous leukemia; PLATELET DISORDER, ASPIRIN-LIKE. Identifiers: Orphanet 71290, MedGen C1832388, MeSH C563324, MONDO:0100083, OMIM 601399.

Submissions (2):

ClinGen Myeloid Malignancy Variant Curation Expert Panel
Classification: Likely pathogenic for Hereditary thrombocytopenia and hematologic cancer predisposition syndrome. Last evaluated: 2026-10-02. Review status: reviewed by expert panel. Criteria: ClinGen MyeloMalig ACMG Specifications V3.1. Collection method: curation. Allele origin: germline. Inheritance: Autosomal dominant inheritance.
Comment: NM_001754.5(RUNX1):c.316T>C (p.Trp106Arg) is a missense variant which has the same amino acid change as a previously established likely pathogenic variant (ClinVar ID 436617; PS1_Moderate). This variant has a REVEL score ≥ 0.88 (0.98) (PP3) and is completely absent from all population databases with at least 20x coverage for RUNX1 (PM2_Supporting). A transactivation assay demonstrated reduced transactivation (<20% compared to WT)(PS3_Moderate; PMID: 25840971). In summary, this variant meets criteria to be classified as likely pathogenic. ACMG/AMP criteria applied, as specified by the Myeloid Malignancy Variant Curation Expert Panel for RUNX1: PS1_Moderate, PP3, PM2_Supporting, PS3_Moderate.

Labcorp Genetics (formerly Invitae), Labcorp
Classification: Uncertain significance for Hereditary thrombocytopenia and hematological cancer predisposition syndrome associated with RUNX1. Last evaluated: 2022-09-03. Review status: criteria provided, single submitter. Criteria: Invitae Variant Classification Sherloc (09022015). Collection method: clinical testing. Allele origin: germline. Not counted in ClinVar's aggregate classification.
Comment: This sequence change replaces tryptophan, which is neutral and slightly polar, with arginine, which is basic and polar, at codon 106 of the RUNX1 protein (p.Trp106Arg). This variant is not present in population databases (gnomAD no frequency). This missense change has been observed in individual(s) with chronic myelomonocytic leukemia (PMID: 25840971). In summary, the available evidence is currently insufficient to determine the role of this variant in disease. Therefore, it has been classified as a Variant of Uncertain Significance. Experimental studies are conflicting or provide insufficient evidence to determine the effect of this variant on RUNX1 function (PMID: 25840971). Algorithms developed to predict the effect of missense changes on protein structure and function are either unavailable or do not agree on the potential impact of this missense change (SIFT: "Deleterious"; PolyPhen-2: "Probably Damaging"; Align-GVGD: "Class C0"). ClinVar contains an entry for this variant (Variation ID: 1045299). This variant is also known as 235T>C (p.Trp79Arg).

Literature cited by the submitters: PubMed 25840971 (cited by ClinGen Myeloid Malignancy Variant Curation Expert Panel and Labcorp Genetics (formerly Invitae), Labcorp).

NM_001754.5(RUNX1):c.316T>C (p.Trp106Arg)

Gene: RUNX1 (RUNX family transcription factor 1; minus strand). Cytogenetic location: 21q22.12.
Variant type: single nucleotide variant.
Coding change: c.316T>C on transcript NM_001754.5 (MANE Select); coding-DNA position 316, T replaced by C.
Protein change: p.Trp106Arg; replaces tryptophan 106 with arginine.
Molecular consequence: missense variant.
Genome position (GRCh38, 1-based): chr21:34,886,878, A>G on the plus strand (T>C on the coding strand, the complement: RUNX1 is on the minus strand). VCF-style: chr21-34886878-A-G. GRCh37 (hg19) VCF-style: chr21-36259175-A-G.
Other names: NM_001754.5(RUNX1):c.316T>C; p.Trp106Arg; c.235T>C, p.Trp79Arg (NM_001001890.3, NM_001122607.2); short protein forms W79R, W106R.
Identifiers: ClinVar variation 1045299 (VCV001045299.10), dbSNP rs1555899735, ClinGen allele CA410203507.